The following is an entry in ClinVar:

NM_001242882.2(NAXD):c.70C>T (p.Arg24Cys)

Gene: NAXD (NAD(P)HX dehydratase; plus strand). Cytogenetic location: 13q34.
Variant type: single nucleotide variant.
Coding change: c.70C>T on transcript NM_001242882.2 (MANE Select); coding-DNA position 70, C replaced by T.
Protein change: p.Arg24Cys; replaces arginine 24 with cysteine.
Molecular consequence: missense variant. On other transcripts: non-coding transcript variant (2), intron variant (1).
Genome position (GRCh38, 1-based): chr13:110,622,239, C>T. VCF-style: chr13-110622239-C-T. GRCh37 (hg19) VCF-style: chr13-111274586-C-T.
Other names: c.124C>T, p.Arg42Cys (NM_001242881.2, NM_018210.4); c.57-5200C>T (NM_001242883.2); short protein forms R24C, R42C.
Identifiers: ClinVar variation 2393929 (VCV002393929.2), dbSNP rs138412062, ClinGen allele CA7051035.

ClinVar aggregate classification (germline): Uncertain significance (1 of 4 stars; one submission).

Conditions:
Inborn genetic diseases. Identifiers: MedGen C0950123, MeSH D030342.

Allele frequency attached by ClinVar (database versions not stated): gnomAD 0.00001.
gnomAD v4.1: 18 of 1,613,366 alleles (0.0011%); highest among the groups gnomAD compares: East Asian, 0.022%; no homozygotes.

Submission:

Ambry Genetics
Classification: Uncertain significance for Inborn genetic diseases. Last evaluated: 2021-02-13. Review status: criteria provided, single submitter. Criteria: Ambry Variant Classification Scheme 2023. Collection method: clinical testing. Allele origin: germline.
Comment: The c.124C>T (p.R42C) alteration is located in exon 2 (coding exon 2) of the NAXD gene. This alteration results from a C to T substitution at nucleotide position 124, causing the arginine (R) at amino acid position 42 to be replaced by a cysteine (C). The p.R42C alteration is predicted to be tolerated by in silico analysis. Based on insufficient or conflicting evidence, the clinical significance of this alteration remains unclear.